The following is an entry in ClinVar:

ClinVar aggregate classification (germline): Likely benign. Review status: criteria provided, single submitter (1 of 4 stars). 2 submissions from 2 submitters: Likely benign (1). 1 of the submissions does not count toward it. Last evaluated 2026-01-01.

Conditions:
USP7-related disorder. Also called: USP7-related condition.

Allele frequency attached by ClinVar (database versions not stated): 1000 Genomes Project 0.00020; 1000 Genomes Project 30x 0.00031; TOPMed 0.00069; gnomAD 0.00093 and 0.00094; ExAC 0.00105.
gnomAD v4.1: 1,503 of 1,552,962 alleles (0.097%); highest among the groups gnomAD compares: Middle Eastern, 0.2%; 2 homozygotes.

Submissions (2):

CeGaT Center for Human Genetics Tuebingen
Classification: Likely benign. Last evaluated: 2026-01-01. Review status: criteria provided, single submitter. Criteria: CeGaT Center For Human Genetics Tuebingen Variant Classification Criteria Version 2. Collection method: clinical testing. Allele origin: germline. Affected: yes. Observed: 4 variant alleles.
Comment: USP7: BP4, BS1

PreventionGenetics, part of Exact Sciences
Classification: Likely benign for USP7-related condition. Last evaluated: 2022-02-09. Review status: no assertion criteria provided. Collection method: clinical testing. Allele origin: germline. Not counted in ClinVar's aggregate classification.
Comment: This variant is classified as likely benign based on ACMG/AMP sequence variant interpretation guidelines (Richards et al. 2015 PMID: 25741868, with internal and published modifications).

NM_003470.3(USP7):c.80-6198C>T

Gene: USP7 (ubiquitin specific peptidase 7; minus strand). Cytogenetic location: 16p13.2.
Variant type: single nucleotide variant.
Coding change: c.80-6198C>T on transcript NM_003470.3 (MANE Select); 6198 bases into the intron before coding-DNA position 80, C replaced by T.
Molecular consequence: intron variant. On other transcripts: missense variant (1), 5 prime UTR variant (1).
Genome position (GRCh38, 1-based): chr16:8,936,595, G>A on the plus strand (C>T on the coding strand, the complement: USP7 is on the minus strand). VCF-style: chr16-8936595-G-A. GRCh37 (hg19) VCF-style: chr16-9030452-G-A.
Other names: c.19C>T, p.Leu7Phe (NM_001286457.2); c.-406C>T (NM_001286458.2); c.-95-6198C>T (NM_001321858.2); c.19C>T (NM_001286457.1); short protein forms L7F.
Identifiers: ClinVar variation 1701280 (VCV001701280.32), dbSNP rs113545079, ClinGen allele CA7895871.